The following is an entry in ClinVar:

ClinVar aggregate classification (germline): Pathogenic (1 of 4 stars; one submission).

Conditions:
Inborn genetic diseases. Identifiers: MedGen C0950123, MeSH D030342.

Submission:

Ambry Genetics
Classification: Pathogenic for Inborn genetic diseases. Last evaluated: 2026-03-25. Review status: criteria provided, single submitter. Criteria: Ambry Variant Classification Scheme 2023. Collection method: clinical testing. Allele origin: germline.
Comment: The c.1554C>A (p.Y518*) alteration, located in exon 9 (coding exon 4) of the MBD5 gene, consists of a C to A substitution at nucleotide position 1554. This changes the amino acid from a tyrosine (Y) to a stop codon at amino acid position 518. This variant is expected to result in loss of function by premature protein truncation or nonsense-mediated mRNA decay. This variant was not reported in population-based cohorts in the Genome Aggregation Database (gnomAD). Based on the available evidence, this alteration is classified as pathogenic.

NM_001378120.1(MBD5):c.1554C>A (p.Tyr518Ter)

Gene: MBD5 (methyl-CpG binding domain protein 5; plus strand). Cytogenetic location: 2q23.1.
Variant type: single nucleotide variant.
Coding change: c.1554C>A on transcript NM_001378120.1 (MANE Select); coding-DNA position 1554, C replaced by A.
Protein change: p.Tyr518Ter; replaces tyrosine 518 with a stop codon.
Molecular consequence: nonsense.
Genome position (GRCh38, 1-based): chr2:148,469,497, C>A. VCF-style: chr2-148469497-C-A. GRCh37 (hg19) VCF-style: chr2-149227066-C-A.
Other names: c.1554C>A, p.Tyr518Ter (NM_001438854.1, NM_001438855.1, NM_001438856.1 and 7 more transcripts); short protein forms Y518*.
Identifiers: ClinVar variation 4859629 (VCV004859629.1).
Genomic context (GRCh38, chr2:148,469,497, plus strand): 5'-GTCCCCAAGGCCATCAATGCCATCAAGCCCTTCTACCAAGTCCGATGGACATCATCAGTA[C>A]AAGGATATCCCTAACCCATTAATTGCTGGAATAAGTAATGTACTAAATACCCCAAGCAGT-3'